The following is an entry in ClinVar:

ClinVar aggregate classification (germline): Uncertain significance (1 of 4 stars; one submission).

Conditions:
Lafora disease. Also called: Epilepsy progressive myoclonic 2; Progressive Myoclonus Epilepsy, Lafora Type. Identifiers: Orphanet 501, MedGen C0751783, MONDO:0009697.

gnomAD v4.1: 1 of 1,614,180 alleles (0.000062%); highest among the groups gnomAD compares: Non-Finnish European, 0.000085%; no homozygotes.

Submission:

Labcorp Genetics (formerly Invitae), Labcorp
Classification: Uncertain significance for Lafora disease. Last evaluated: 2022-07-29. Review status: criteria provided, single submitter. Criteria: Invitae Variant Classification Sherloc (09022015). Collection method: clinical testing. Allele origin: germline.
Comment: This variant has not been reported in the literature in individuals affected with NHLRC1-related conditions. This sequence change replaces asparagine, which is neutral and polar, with threonine, which is neutral and polar, at codon 184 of the NHLRC1 protein (p.Asn184Thr). This variant is not present in population databases (gnomAD no frequency). Algorithms developed to predict the effect of missense changes on protein structure and function (SIFT, PolyPhen-2, Align-GVGD) all suggest that this variant is likely to be tolerated. In summary, the available evidence is currently insufficient to determine the role of this variant in disease. Therefore, it has been classified as a Variant of Uncertain Significance.

NM_198586.3(NHLRC1):c.551A>C (p.Asn184Thr)

Gene: NHLRC1 (NHL repeat containing E3 ubiquitin protein ligase 1; minus strand). Cytogenetic location: 6p22.3.
Variant type: single nucleotide variant.
Coding change: c.551A>C on transcript NM_198586.3 (MANE Select); coding-DNA position 551, A replaced by C.
Protein change: p.Asn184Thr; replaces asparagine 184 with threonine.
Molecular consequence: missense variant.
Genome position (GRCh38, 1-based): chr6:18,122,056, T>G on the plus strand (A>C on the coding strand, the complement: NHLRC1 is on the minus strand). VCF-style: chr6-18122056-T-G. GRCh37 (hg19) VCF-style: chr6-18122287-T-G.
Other names: short protein forms N184T.
Identifiers: ClinVar variation 1714130 (VCV001714130.6), dbSNP rs138667242, ClinGen allele CA362827563.